The following is an entry in ClinVar:

NM_001035.3(RYR2):c.10690A>C (p.Lys3564Gln)

Gene: RYR2 (ryanodine receptor 2; plus strand). Cytogenetic location: 1q43.
Variant type: single nucleotide variant.
Coding change: c.10690A>C on transcript NM_001035.3 (MANE Select); coding-DNA position 10690, A replaced by C.
Protein change: p.Lys3564Gln; replaces lysine 3564 with glutamine.
Molecular consequence: missense variant.
Genome position (GRCh38, 1-based): chr1:237,726,273, A>C. VCF-style: chr1-237726273-A-C. GRCh37 (hg19) VCF-style: chr1-237889573-A-C.
Other names: short protein forms K3564Q.
Identifiers: ClinVar variation 2898697 (VCV002898697.3), dbSNP rs964282675, ClinGen allele CA39806501.

ClinVar aggregate classification (germline): Uncertain significance (1 of 4 stars; one submission).

Conditions:
Catecholaminergic polymorphic ventricular tachycardia 1. Also called: VENTRICULAR TACHYCARDIA, STRESS-INDUCED POLYMORPHIC 1; VENTRICULAR TACHYCARDIA, CATECHOLAMINERGIC POLYMORPHIC, 1, WITH OR WITHOUT ATRIAL DYSFUNCTION AND/OR DILATED CARDIOMYOPATHY; RYR2-Related Catecholaminergic Polymorphic Ventricular Tachycardia. Identifiers: Orphanet 3286, MedGen C1631597, MONDO:0011484, OMIM 604772.

Allele frequency attached by ClinVar (database versions not stated): TOPMed 0.00001.

Submission:

Labcorp Genetics (formerly Invitae), Labcorp
Classification: Uncertain significance for Catecholaminergic polymorphic ventricular tachycardia 1. Last evaluated: 2024-08-11. Review status: criteria provided, single submitter. Criteria: Invitae Variant Classification Sherloc (09022015). Collection method: clinical testing. Allele origin: germline.
Comment: This sequence change replaces lysine, which is basic and polar, with glutamine, which is neutral and polar, at codon 3564 of the RYR2 protein (p.Lys3564Gln). This variant is not present in population databases (gnomAD no frequency). This variant has not been reported in the literature in individuals affected with RYR2-related conditions. An algorithm developed to predict the effect of missense changes on protein structure and function (PolyPhen-2) suggests that this variant is likely to be tolerated. In summary, the available evidence is currently insufficient to determine the role of this variant in disease. Therefore, it has been classified as a Variant of Uncertain Significance.